The following is an entry in ClinVar:

NM_201596.3(CACNB2):c.1840C>G (p.Arg614Gly)

Gene: CACNB2 (calcium voltage-gated channel auxiliary subunit beta 2; plus strand). Cytogenetic location: 10p12.31.
Variant type: single nucleotide variant.
Coding change: c.1840C>G on transcript NM_201596.3 (MANE Select); coding-DNA position 1840, C replaced by G.
Protein change: p.Arg614Gly; replaces arginine 614 with glycine.
Molecular consequence: missense variant.
Genome position (GRCh38, 1-based): chr10:18,539,581, C>G. VCF-style: chr10-18539581-C-G. GRCh37 (hg19) VCF-style: chr10-18828510-C-G.
Other names: c.1675C>G, p.Arg559Gly (NM_000724.4); c.1642C>G, p.Arg548Gly (NM_001167945.2); c.1561C>G, p.Arg521Gly (NM_001330060.2); c.1582C>G, p.Arg528Gly (NM_001410882.1); c.1696C>G, p.Arg566Gly (NM_201570.3); c.1756C>G, p.Arg586Gly (NM_201571.4); c.1684C>G, p.Arg562Gly (NM_201572.4); c.1678C>G, p.Arg560Gly (NM_201590.3); and 2 more; short protein forms R586G, R559G, R576G, R590G, R614G, R528G, R548G, R560G.
Identifiers: ClinVar variation 1777834 (VCV001777834.2), dbSNP rs775467558, ClinGen allele CA376072543.
Genomic context (GRCh38, chr10:18,539,581, plus strand): 5'-ACCCACGGGAGCAGTGACCACAGACACAGGGAGTCCCGGCACCGTTCCCGGGACGTGGAT[C>G]GAGAGCAGGACCACAACGAGTGCAACAAGCAGCGCAGCCGTCATAAATCCAAGGATCGCT-3'
Protein context (NP_963890.2, residues 604-624): ESRHRSRDVD[Arg614Gly]EQDHNECNKQ

ClinVar aggregate classification (germline): Uncertain significance (1 of 4 stars; one submission).

Conditions:
Cardiovascular phenotype. Identifiers: MedGen CN230736.

gnomAD v4.1: 2 of 1,613,628 alleles (0.00012%); highest among the groups gnomAD compares: Non-Finnish European, 0.00017%; no homozygotes.

Submission:

Ambry Genetics
Classification: Uncertain significance for Cardiovascular phenotype. Last evaluated: 2022-05-27. Review status: criteria provided, single submitter. Criteria: Ambry Variant Classification Scheme 2023. Collection method: clinical testing. Allele origin: germline.
Comment: The p.R560G variant (also known as c.1678C>G), located in coding exon 13 of the CACNB2 gene, results from a C to G substitution at nucleotide position 1678. The arginine at codon 560 is replaced by glycine, an amino acid with dissimilar properties. This amino acid position is conserved. In addition, this alteration is predicted to be deleterious by in silico analysis. Since supporting evidence is limited at this time, the clinical significance of this alteration remains unclear.